The following is an entry in ClinVar:

NM_000138.5(FBN1):c.7699G>A (p.Asp2567Asn)

Gene: FBN1 (fibrillin 1; minus strand). Cytogenetic location: 15q21.1.
Variant type: single nucleotide variant.
Coding change: c.7699G>A on transcript NM_000138.5 (MANE Select); coding-DNA position 7699, G replaced by A.
Protein change: p.Asp2567Asn; replaces aspartic acid 2567 with asparagine.
Molecular consequence: missense variant.
Genome position (GRCh38, 1-based): chr15:48,421,558, C>T on the plus strand (G>A on the coding strand, the complement: FBN1 is on the minus strand). VCF-style: chr15-48421558-C-T. GRCh37 (hg19) VCF-style: chr15-48713755-C-T.
Other names: c.7699G>A, p.Asp2567Asn (NM_001406716.1); short protein forms D2567N.
Identifiers: ClinVar variation 2580027 (VCV002580027.3), dbSNP rs2505397565, ClinGen allele CA392324912.

ClinVar aggregate classification (germline): Uncertain significance. Review status: criteria provided, multiple submitters, no conflicts (2 of 4 stars). 2 submissions from 2 submitters: Uncertain significance (2). Last evaluated 2024-05-01.

Conditions:
Marfan syndrome (MFS). Also called: MARFAN SYNDROME, TYPE I; FBN1-Related Marfan Syndrome; Marfan syndrome type 1; Marfan's syndrome; Marfan syndrome, classic. Identifiers: Orphanet 284963, Orphanet 558, MedGen C0024796, MONDO:0007947, OMIM 154700.
Familial thoracic aortic aneurysm and aortic dissection (TAAD). Also called: Thoracic aortic aneurysms and dissections. Identifiers: Orphanet 91387, MedGen C4707243, MONDO:0019625.

Submissions (2):

Labcorp Genetics (formerly Invitae), Labcorp
Classification: Uncertain significance for Marfan syndrome; Familial thoracic aortic aneurysm and aortic dissection. Last evaluated: 2024-05-01. Review status: criteria provided, single submitter. Criteria: Invitae Variant Classification Sherloc (09022015). Collection method: clinical testing. Allele origin: germline.
Comment: This sequence change replaces aspartic acid, which is acidic and polar, with asparagine, which is neutral and polar, at codon 2567 of the FBN1 protein (p.Asp2567Asn). This variant also falls at the last nucleotide of exon 62, which is part of the consensus splice site for this exon. This variant is not present in population databases (gnomAD no frequency). This missense change has been observed in individual(s) with clinical features of Marfan syndrome (PMID: 25652356). ClinVar contains an entry for this variant (Variation ID: 2580027). An algorithm developed to predict the effect of missense changes on protein structure and function (PolyPhen-2) suggests that this variant is likely to be disruptive. Variants that disrupt the consensus splice site are a relatively common cause of aberrant splicing (PMID: 17576681, 9536098). Algorithms developed to predict the effect of sequence changes on RNA splicing suggest that this variant may disrupt the consensus splice site. In summary, the available evidence is currently insufficient to determine the role of this variant in disease. Therefore, it has been classified as a Variant of Uncertain Significance.

GeneDx
Classification: Uncertain significance. Last evaluated: 2023-03-13. Review status: criteria provided, single submitter. Criteria: GeneDx Variant Classification Process June 2021. Collection method: clinical testing. Allele origin: germline. Affected: yes.
Comment: Has been identified in a patient with skeletal and occular features of Marfan syndrome (Baudhuin et al., 2015) but the individual did not meet Ghent criteria.; Not observed at significant frequency in large population cohorts (gnomAD); In silico analysis supports that this missense variant has a deleterious effect on protein structure/function; Although located in a calcium-binding EGF-like domain of the FBN1 gene, it does not affect a cysteine residue within this domain; cysteine substitutions in the calcium-binding EGF-like domains represent the majority of pathogenic missense changes associated with FBN1-related disorders (Collod-Beroud et al., 2003); This variant is associated with the following publications: (PMID: 12938084, 25652356)

Literature cited by the submitters: PubMed 25652356 (cited by Labcorp Genetics (formerly Invitae), Labcorp); PubMed 17576681 (cited by Labcorp Genetics (formerly Invitae), Labcorp); PubMed 9536098 (cited by Labcorp Genetics (formerly Invitae), Labcorp).